The following is an entry in ClinVar:

NM_001605.3(AARS1):c.56A>G (p.Lys19Arg)

Gene: AARS1 (alanyl-tRNA synthetase 1; minus strand). Cytogenetic location: 16q22.1.
Variant type: single nucleotide variant.
Coding change: c.56A>G on transcript NM_001605.3 (MANE Select); coding-DNA position 56, A replaced by G.
Protein change: p.Lys19Arg; replaces lysine 19 with arginine.
Molecular consequence: missense variant.
Genome position (GRCh38, 1-based): chr16:70,282,708, T>C on the plus strand (A>G on the coding strand, the complement: AARS1 is on the minus strand). VCF-style: chr16-70282708-T-C. GRCh37 (hg19) VCF-style: chr16-70316611-T-C.
Other names: short protein forms K19R.
Identifiers: ClinVar variation 645174 (VCV000645174.8), dbSNP rs776616726, ClinGen allele CA8141241.

ClinVar aggregate classification (germline): Uncertain significance (1 of 4 stars; one submission).

Conditions:
Charcot-Marie-Tooth disease type 2. Also called: Charcot-Marie-Tooth type 2. Identifiers: Orphanet 64746, MedGen C0270914, MONDO:0018993.

Allele frequency attached by ClinVar (database versions not stated): gnomAD 0.00001; gnomAD exomes below 0.00001; TOPMed below 0.00001; ExAC 0.00001.
gnomAD v4.1: 4 of 1,614,032 alleles (0.00025%); highest among the groups gnomAD compares: Non-Finnish European, 0.00034%; no homozygotes.

Submission:

Labcorp Genetics (formerly Invitae), Labcorp
Classification: Uncertain significance for Charcot-Marie-Tooth disease type 2. Last evaluated: 2024-05-06. Review status: criteria provided, single submitter. Criteria: Invitae Variant Classification Sherloc (09022015). Collection method: clinical testing. Allele origin: germline.
Comment: This sequence change replaces lysine, which is basic and polar, with arginine, which is basic and polar, at codon 19 of the AARS protein (p.Lys19Arg). This variant is present in population databases (rs776616726, gnomAD 0.002%). This variant has not been reported in the literature in individuals affected with AARS-related conditions. ClinVar contains an entry for this variant (Variation ID: 645174). Advanced modeling of protein sequence and biophysical properties (such as structural, functional, and spatial information, amino acid conservation, physicochemical variation, residue mobility, and thermodynamic stability) performed at Invitae indicates that this missense variant is not expected to disrupt AARS protein function with a negative predictive value of 95%. In summary, the available evidence is currently insufficient to determine the role of this variant in disease. Therefore, it has been classified as a Variant of Uncertain Significance.